The following is an entry in ClinVar:

ClinVar aggregate classification (germline): Likely benign. Review status: criteria provided, multiple submitters, no conflicts (2 of 4 stars). 2 submissions from 2 submitters: Likely benign (2). Last evaluated 2025-07-10.

Allele frequency attached by ClinVar (database versions not stated): gnomAD exomes 0.00007 and 0.00012; ESP Exome Variant Server 0.00008; ExAC 0.00012; gnomAD 0.00015 and 0.00016; TOPMed 0.00016; 1000 Genomes Project 30x 0.00031; 1000 Genomes Project 0.00040.
gnomAD v4.1: 200 of 1,610,414 alleles (0.012%); highest among the groups gnomAD compares: Middle Eastern, 0.022%; no homozygotes.

Submissions (2):

Labcorp Genetics (formerly Invitae), Labcorp
Classification: Likely benign. Last evaluated: 2025-07-10. Review status: criteria provided, single submitter. Criteria: Invitae Variant Classification Sherloc (09022015). Collection method: clinical testing. Allele origin: germline.

CeGaT Center for Human Genetics Tuebingen
Classification: Likely benign. Last evaluated: 2024-05-01. Review status: criteria provided, single submitter. Criteria: CeGaT Center For Human Genetics Tuebingen Variant Classification Criteria Version 2. Collection method: clinical testing. Allele origin: germline. Affected: yes. Observed: 1 variant allele.
Comment: REPS1: BP4, BP7

NM_001286611.2(REPS1):c.594G>A (p.Gly198=)

Gene: REPS1 (RALBP1 associated Eps domain containing 1; minus strand). Cytogenetic location: 6q24.1.
Variant type: single nucleotide variant.
Coding change: c.594G>A on transcript NM_001286611.2 (MANE Select); coding-DNA position 594, G replaced by A.
Protein change: p.Gly198=; no amino-acid change (glycine 198 retained).
Molecular consequence: synonymous variant.
Genome position (GRCh38, 1-based): chr6:138,945,253, C>T on the plus strand (G>A on the coding strand, the complement: REPS1 is on the minus strand). VCF-style: chr6-138945253-C-T. GRCh37 (hg19) VCF-style: chr6-139266390-C-T.
Other names: c.594G>A, p.Gly198= (NM_001128617.3, NM_001286612.2, NM_031922.5).
Identifiers: ClinVar variation 1665954 (VCV001665954.27), dbSNP rs147632182, ClinGen allele CA4024416.